The following is an entry in ClinVar:

ClinVar aggregate classification (germline): Uncertain significance. Review status: criteria provided, multiple submitters, no conflicts (2 of 4 stars). 2 submissions from 2 submitters: Uncertain significance (2). Last evaluated 2025-08-08.

Allele frequency attached by ClinVar (database versions not stated): gnomAD exomes below 0.00001; TOPMed below 0.00001; ExAC 0.00001.
gnomAD v4.1: 6 of 1,612,006 alleles (0.00037%); highest among the groups gnomAD compares: East Asian, 0.0022%; no homozygotes.

Submissions (2):

Labcorp Genetics (formerly Invitae), Labcorp
Classification: Uncertain significance. Last evaluated: 2025-08-08. Review status: criteria provided, single submitter. Criteria: Invitae Variant Classification Sherloc (09022015). Collection method: clinical testing. Allele origin: germline.
Comment: This sequence change replaces histidine, which is basic and polar, with arginine, which is basic and polar, at codon 565 of the NPAT protein (p.His565Arg). This variant is present in population databases (rs753841827, gnomAD 0.003%). This variant has not been reported in the literature in individuals affected with NPAT-related conditions. ClinVar contains an entry for this variant (Variation ID: 2496707). An algorithm developed to predict the effect of missense changes on protein structure and function (PolyPhen-2) suggests that this variant is likely to be tolerated. In summary, the available evidence is currently insufficient to determine the role of this variant in disease. Therefore, it has been classified as a Variant of Uncertain Significance.

Ambry Genetics
Classification: Uncertain significance. Last evaluated: 2022-11-17. Review status: criteria provided, single submitter. Criteria: Ambry Variant Classification Scheme 2023. Collection method: clinical testing. Allele origin: germline.
Comment: The p.H565R variant (also known as c.1694A>G), located in coding exon 13 of the NPAT gene, results from an A to G substitution at nucleotide position 1694. The histidine at codon 565 is replaced by arginine, an amino acid with highly similar properties. This amino acid position is conserved. In addition, this alteration is predicted to be tolerated by in silico analysis. Since supporting evidence is limited at this time, the clinical significance of this alteration remains unclear.

NM_002519.3(NPAT):c.1694A>G (p.His565Arg)

Gene: NPAT (nuclear protein, coactivator of histone transcription; minus strand). Cytogenetic location: 11q22.3.
Variant type: single nucleotide variant.
Coding change: c.1694A>G on transcript NM_002519.3 (MANE Select); coding-DNA position 1694, A replaced by G.
Protein change: p.His565Arg; replaces histidine 565 with arginine.
Molecular consequence: missense variant.
Genome position (GRCh38, 1-based): chr11:108,173,290, T>C on the plus strand (A>G on the coding strand, the complement: NPAT is on the minus strand). VCF-style: chr11-108173290-T-C. GRCh37 (hg19) VCF-style: chr11-108044017-T-C.
Other names: c.1694A>G, p.His565Arg (NM_001321307.1); short protein forms H565R.
Identifiers: ClinVar variation 2496707 (VCV002496707.3), dbSNP rs753841827, ClinGen allele CA6263951.